The following is an entry in ClinVar:

NM_001098668.4(SFTPA2):c.697T>C (p.Trp233Arg)

Gene: SFTPA2 (surfactant protein A2; minus strand). Cytogenetic location: 10q22.3.
Variant type: single nucleotide variant.
Coding change: c.697T>C on transcript NM_001098668.4 (MANE Select); coding-DNA position 697, T replaced by C.
Protein change: p.Trp233Arg; replaces tryptophan 233 with arginine.
Molecular consequence: missense variant.
Genome position (GRCh38, 1-based): chr10:79,557,259, A>G on the plus strand (T>C on the coding strand, the complement: SFTPA2 is on the minus strand). VCF-style: chr10-79557259-A-G. GRCh37 (hg19) VCF-style: chr10-81317015-A-G.
Other names: c.697T>C, p.Trp233Arg (NM_001320813.2); c.727T>C, p.Trp243Arg (NM_001320814.1); short protein forms W233R, W243R.
Identifiers: ClinVar variation 3370674 (VCV003370674.1).

ClinVar aggregate classification (germline): Uncertain significance (1 of 4 stars; one submission).

Submission:

GeneDx
Classification: Uncertain significance. Last evaluated: 2024-03-06. Review status: criteria provided, single submitter. Criteria: GeneDx Variant Classification Process June 2021. Collection method: clinical testing. Allele origin: germline. Affected: yes.
Comment: Identified in two individuals, likely from the same family, with pulmonary fibrosis (Arciniegas Flores, 2019; Singh, 2022); Not observed at significant frequency in large population cohorts (gnomAD); In silico analysis supports that this missense variant has a deleterious effect on protein structure/function; This variant is associated with the following publications: (PMID: Arciniegas Flores2019[poster], Singh2022[presentation])